The following is an entry in ClinVar:

ClinVar aggregate classification (germline): Conflicting classifications of pathogenicity. Review status: criteria provided, conflicting classifications (1 of 4 stars). 6 submissions from 6 submitters: Likely pathogenic (2); Uncertain significance (3). 1 of the submissions does not count toward it. Last evaluated 2026-06-11.

Conditions:
Hereditary von Willebrand disease. Identifiers: Orphanet 903, MedGen C5703318, MONDO:0019565. Inheritance: Autosomal recessive or Autosomal dominant.

Allele frequency attached by ClinVar (database versions not stated): TOPMed 0.00001; ExAC 0.00002; gnomAD 0.00001; gnomAD exomes 0.00001.
gnomAD v4.1: 18 of 1,613,476 alleles (0.0011%); highest among the groups gnomAD compares: South Asian, 0.0088%; no homozygotes.

Submissions (6):

North West Genomic Laboratory Hub, Manchester University NHS Foundation Trust
Classification: Likely pathogenic for von Willebrand disease. Last evaluated: 2026-06-11. Review status: criteria provided, single submitter. Criteria: ACGS Best Practice Guidelines for Variant Classification in Rare Disease 2024. Collection method: clinical testing. Allele origin: germline. Affected: yes.
Comment: PS4_Str PP4_Mod

CeGaT Center for Human Genetics Tuebingen
Classification: Likely pathogenic. Last evaluated: 2026-06-01. Review status: criteria provided, single submitter. Criteria: CeGaT Center For Human Genetics Tuebingen Variant Classification Criteria Version 2. Collection method: clinical testing. Allele origin: germline. Affected: yes. Observed: 1 variant allele.
Comment: VWF: PM2, PP4:Moderate, PS4:Moderate

Women's Health and Genetics/Laboratory Corporation of America, LabCorp
Classification: Uncertain significance. Last evaluated: 2025-04-08. Review status: criteria provided, single submitter. Criteria: LabCorp Variant Classification Summary - May 2015. Collection method: clinical testing. Allele origin: germline.
Comment: Variant summary: VWF c.4079T>C (p.Val1360Ala) results in a non-conservative amino acid change in the encoded protein sequence. Four of five in-silico tools predict a damaging effect of the variant on protein function. The variant allele was found at a frequency of 1.1e-05 in 1613476 control chromosomes (gnomAD v4.1). The available data on variant occurrences in the general population are insufficient to allow any conclusion about variant significance. c.4079T>C has been reported in the literature in individuals affected with Von Willebrand Disease, as well as in individuals with near-normal laboratory phenotypes (e.g. Kasatkar_2014, Veyradier_2016, Freitas_2019, Sadler_2021, Maas_2022). Co-occurrences with other pathogenic variants, including an individual homozygous for VWF c.3931C>T (p.Gln1311Ter), provide supporting evidence for a benign role. To our knowledge, no experimental evidence demonstrating an impact on protein function has been reported. The following publications have been ascertained in the context of this evaluation (PMID: 26986123, 24675615, 33556167, 30817071, 34758185). ClinVar contains an entry for this variant (Variation ID: 100322). Based on the evidence outlined above, the variant was classified as uncertain significance.

Quest Diagnostics Nichols Institute San Juan Capistrano
Classification: Uncertain significance. Last evaluated: 2024-06-10. Review status: criteria provided, single submitter. Criteria: Quest Diagnostics criteria. Collection method: clinical testing. Allele origin: unknown.
Comment: The VWF c.4079T>C (p.Val1360Ala) variant has been reported in the published literature in individuals with type 2M von Willebrand Disease (VWD) (PMIDs: 30817071 (2019), 26986123 (2016)). This variant is one of multiple variants that occur as part of a gene conversion event between the normal VWF gene and its pseudogene, resulting in individuals with severe type 3 VWD (PMIDs: 24675615 (2014), 19277422 (2009), 16115133 (2005)). The frequency of this variant in the general population, 0.000098 (3/30610 chromosomes (Genome Aggregation Database)), is uninformative in the assessment of its pathogenicity. Analysis of this variant using bioinformatics tools (i.e., MutationTaster and PolyPhen-2) for the prediction of the effect of amino acid changes on protein structure and function yielded conflicting predictions that this variant is benign or damaging. Based on the available information, we are unable to determine the clinical significance of this variant.

ARUP Laboratories, Molecular Genetics and Genomics, ARUP Laboratories
Classification: Uncertain significance. Last evaluated: 2023-09-01. Review status: criteria provided, single submitter. Criteria: ARUP Molecular Germline Variant Investigation Process 2024. Collection method: clinical testing. Allele origin: germline.
Comment: The VWF c.4079T>C; p.Val1360Ala variant (rs267607338) is reported in the literature in two individuals with VWF type 2 (Freitas 2019, Veyradier 2016), but has also been described in the homozygous state in an individual who also carried a nonsense variant in the homozygous state (Corrales 2009). The variant is reported in the ClinVar database (Variation ID: 100322) and is reported in the general population with an overall allele frequency of 0.002% (5/282,292 alleles) in the Genome Aggregation Database. The valine at codon 1360 is moderately conserved and computational analyses are uncertain whether this variant is neutral or deleterious (REVEL: 0.585). Due to limited information, the clinical significance of the p.Val1360Ala variant is uncertain at this time. References: Corrales I et al. Rapid molecular diagnosis of von Willebrand disease by direct sequencing. Detection of 12 novel putative mutations in VWF gene. Thromb Haemost. 2009 Mar;101(3):570-6. Freitas SDS et al. Genetic variants of VWF gene in type 2 von Willebrand disease. Haemophilia. 2019 Mar;25(2):e78-e85. Veyradier A et al. A Laboratory Phenotype/Genotype Correlation of 1167 French Patients From 670 Families With von Willebrand Disease: A New Epidemiologic Picture. Medicine (Baltimore). 2016 Mar;95(11):e3038.

Academic Unit of Haematology, University of Sheffield
No classification provided. Review status: no classification provided. Collection method: not provided. Allele origin: not provided. Not counted in ClinVar's aggregate classification.

Literature cited by the submitters: PubMed 26986123 (cited by Women's Health and Genetics/Laboratory Corporation of America, LabCorp and Quest Diagnostics Nichols Institute San Juan Capistrano); PubMed 24675615 (cited by Women's Health and Genetics/Laboratory Corporation of America, LabCorp and Quest Diagnostics Nichols Institute San Juan Capistrano); PubMed 33556167 (cited by Women's Health and Genetics/Laboratory Corporation of America, LabCorp and Quest Diagnostics Nichols Institute San Juan Capistrano); PubMed 30817071 (cited by Women's Health and Genetics/Laboratory Corporation of America, LabCorp and Quest Diagnostics Nichols Institute San Juan Capistrano); PubMed 34758185 (cited by Women's Health and Genetics/Laboratory Corporation of America, LabCorp); PubMed 19277422 (cited by Quest Diagnostics Nichols Institute San Juan Capistrano); PubMed 16115133 (cited by Quest Diagnostics Nichols Institute San Juan Capistrano).

NM_000552.5(VWF):c.4079T>C (p.Val1360Ala)

Gene: VWF (von Willebrand factor; minus strand). Cytogenetic location: 12p13.31.
Variant type: single nucleotide variant.
Coding change: c.4079T>C on transcript NM_000552.5 (MANE Select); coding-DNA position 4079, T replaced by C.
Protein change: p.Val1360Ala; replaces valine 1360 with alanine.
Molecular consequence: missense variant.
Genome position (GRCh38, 1-based): chr12:6,019,339, A>G on the plus strand (T>C on the coding strand, the complement: VWF is on the minus strand). VCF-style: chr12-6019339-A-G. GRCh37 (hg19) VCF-style: chr12-6128505-A-G.
Other names: short protein forms V1360A.
Identifiers: ClinVar variation 100322 (VCV000100322.16), dbSNP rs267607338, ClinGen allele CA228526.